The following is an entry in ClinVar:

NM_000359.3(TGM1):c.1508_1525del (p.Val503_Gln508del)

Gene: TGM1 (transglutaminase 1; minus strand). Cytogenetic location: 14q12.
Variant type: Deletion.
Coding change: c.1508_1525del on transcript NM_000359.3 (MANE Select); coding-DNA positions 1508 to 1525, 18 bases deleted (TGTACTGGCAGCGGCAGG).
Protein change: p.Val503_Gln508del.
Genome position (GRCh38, 1-based): chr14:24,255,484-24,255,501, CCTGCCGCTGCCAGTACA deleted on the plus strand (TGTACTGGCAGCGGCAGG on the coding strand, the reverse complement: TGM1 is on the minus strand); deleting any 18 consecutive bases within chr14:24,255,484-24,255,504 gives the same sequence; the c. name uses the placement nearest the transcript's 3' end. VCF-style (leftmost placement, unchanged base first): chr14-24255483-TCCTGCCGCTGCCAGTACA-T. GRCh37 (hg19) VCF-style: chr14-24724689-TCCTGCCGCTGCCAGTACA-T.
Identifiers: ClinVar variation 3900075 (VCV003900075.1).

ClinVar aggregate classification (germline): Uncertain significance (1 of 4 stars; one submission).

Submission:

GeneDx
Classification: Uncertain significance. Last evaluated: 2024-11-21. Review status: criteria provided, single submitter. Criteria: GeneDx Variant Classification Process June 2021. Collection method: clinical testing. Allele origin: germline. Affected: yes.
Comment: Not observed at significant frequency in large population cohorts (gnomAD); In-frame deletion of 6 amino acid(s) in a non-repeat region; In silico analysis supports a deleterious effect on protein structure/function; Has not been previously published as pathogenic or benign to our knowledge